The following is an entry in ClinVar:

NM_001172509.2(SATB2):c.1851T>C (p.Ser617=)

Genes: SATB2 (SATB homeobox 2; minus strand), LOC126806462 (MED14-independent group 3 enhancer GRCh37_chr2:200136608-200137807; plus strand). Cytogenetic location: 2q33.1.
Variant type: single nucleotide variant.
Coding change: c.1851T>C on transcript NM_001172509.2 (MANE Select); coding-DNA position 1851, T replaced by C.
Protein change: p.Ser617=; no amino-acid change (serine 617 retained).
Molecular consequence: synonymous variant.
Genome position (GRCh38, 1-based): chr2:199,272,562, A>G on the plus strand (T>C on the coding strand, the complement: SATB2 is on the minus strand). VCF-style: chr2-199272562-A-G. GRCh37 (hg19) VCF-style: chr2-200137285-A-G.
Other names: c.1851T>C, p.Ser617= (NM_001172517.1, NM_015265.4).
Identifiers: ClinVar variation 469546 (VCV000469546.19), dbSNP rs188200171, ClinGen allele CA2045784.
Genomic context (GRCh38, chr2:199,272,562, plus strand): 5'-GCCTACATCATGAATAAAGCTTTGGAGGATCCCCAGGGCTTCTAAGGAGATCTTTGTGCG[A>G]GACCGGGGCTTTTTGGCACAACTGTCTTCAGTCGGAGGAGGTGGGGGAGGCGCTTCTTCT-3'
Protein context (NP_001165980.1, residues 607-627): TEDSCAKKPR[Ser617=]RTKISLEALG

ClinVar aggregate classification (germline): Likely benign. Review status: criteria provided, multiple submitters, no conflicts (2 of 4 stars). 5 submissions from 5 submitters: Likely benign (5). Last evaluated 2026-03-19.

Conditions:
SATB2-related disorder. Also called: SATB2-related condition.
Inborn genetic diseases. Identifiers: MedGen C0950123, MeSH D030342.
Chromosome 2q32-q33 deletion syndrome (GLASS). Also called: Glass syndrome; 2q33.1 deletion syndrome. Identifiers: Orphanet 251019, MedGen C2676739, MONDO:0012864, OMIM 612313.

Allele frequency attached by ClinVar (database versions not stated): TOPMed 0.00001; gnomAD 0.00002 and 0.00003; ExAC 0.00004.
gnomAD v4.1: 51 of 1,614,144 alleles (0.0032%); highest among the groups gnomAD compares: Middle Eastern, 0.099%; 1 homozygote.

Submissions (5):

PreventionGenetics, part of Exact Sciences
Classification: Likely benign for SATB2-related condition. Last evaluated: 2026-03-19. Review status: criteria provided, single submitter. Criteria: ACMG Guidelines, 2015. Collection method: clinical testing. Allele origin: germline.
Comment: This variant is classified as likely benign based on ACMG/AMP sequence variant interpretation guidelines (Richards et al. 2015 PMID: 25741868, with internal and published modifications).

Labcorp Genetics (formerly Invitae), Labcorp
Classification: Likely benign for Chromosome 2q32-q33 deletion syndrome. Last evaluated: 2026-01-28. Review status: criteria provided, single submitter. Criteria: Invitae Variant Classification Sherloc (09022015). Collection method: clinical testing. Allele origin: germline.

Blueprint Genetics
Classification: Likely benign. Last evaluated: 2023-10-06. Review status: criteria provided, single submitter. Criteria: ACMG Guidelines, 2015. Collection method: clinical testing. Allele origin: germline.

Ambry Genetics
Classification: Likely benign for Inborn genetic diseases. Last evaluated: 2016-07-18. Review status: criteria provided, single submitter. Criteria: Ambry Variant Classification Scheme 2023. Collection method: clinical testing. Allele origin: germline.

Breakthrough Genomics
Classification: Likely benign. Review status: criteria provided, single submitter. Criteria: ACMG Guidelines, 2015. Collection method: not provided. Allele origin: germline. Inheritance: Autosomal dominant inheritance. Affected: yes.